The following is an entry in ClinVar:

NM_000322.5(PRPH2):c.946T>G (p.Trp316Gly)

Gene: PRPH2 (peripherin 2; minus strand). Cytogenetic location: 6p21.1.
Variant type: single nucleotide variant.
Coding change: c.946T>G on transcript NM_000322.5 (MANE Select); coding-DNA position 946, T replaced by G.
Protein change: p.Trp316Gly; replaces tryptophan 316 with glycine.
Molecular consequence: missense variant.
Genome position (GRCh38, 1-based): chr6:42,698,390, A>C on the plus strand (T>G on the coding strand, the complement: PRPH2 is on the minus strand). VCF-style: chr6-42698390-A-C. GRCh37 (hg19) VCF-style: chr6-42666128-A-C.
Other names: short protein forms W316G.
Identifiers: ClinVar variation 1175304 (VCV001175304.8), dbSNP rs202230698, ClinGen allele CA3808473.
Genomic context (GRCh38, chr6:42,698,390, plus strand): 5'-CCTCGGCTTCCACCTGGTTGCCCTTGCCCAGCTTCTTCACACTCTCCAGAAAGGCCTTCC[A>C]GGTCTCCGGCACGCTCCTCTCCAGCAGCCAGCCCTGGCTCTCGCTCTCAGATTCCTCGGG-3'
Protein context (NP_000313.2, residues 306-326): WLLERSVPET[Trp316Gly]KAFLESVKKL

ClinVar aggregate classification (germline): Uncertain significance. Review status: criteria provided, multiple submitters, no conflicts (2 of 4 stars). 3 submissions from 3 submitters: Uncertain significance (2). 1 of the submissions does not count toward it. Last evaluated 2024-10-23.

Conditions:
PRPH2-related disorder. Also called: PRPH2-related condition; PRPH2-related disorders. Identifiers: MedGen CN239395.

Allele frequency attached by ClinVar (database versions not stated): gnomAD 0.00003 and 0.00007; gnomAD exomes 0.00003 and 0.00010; ExAC 0.00007; TOPMed 0.00008; 1000 Genomes Project 30x 0.00031; 1000 Genomes Project 0.00040.
gnomAD v4.1: 58 of 1,613,876 alleles (0.0036%); highest among the groups gnomAD compares: East Asian, 0.051%; no homozygotes.

Submissions (3):

Blueprint Genetics
Classification: Uncertain significance. Last evaluated: 2024-10-23. Review status: criteria provided, single submitter. Criteria: ACMG Guidelines, 2015. Collection method: clinical testing. Allele origin: germline.

Labcorp Genetics (formerly Invitae), Labcorp
Classification: Uncertain significance for PRPH2-related disorder. Last evaluated: 2024-10-22. Review status: criteria provided, single submitter. Criteria: Invitae Variant Classification Sherloc (09022015). Collection method: clinical testing. Allele origin: germline.
Comment: This sequence change replaces tryptophan, which is neutral and slightly polar, with glycine, which is neutral and non-polar, at codon 316 of the PRPH2 protein (p.Trp316Gly). This variant is present in population databases (rs202230698, gnomAD 0.09%). This missense change has been observed in individual(s) with autosomal dominant PRPH2-related conditions (PMID: 18310263, 19506198, 23049240, 23563732, 31054281). ClinVar contains an entry for this variant (Variation ID: 1175304). Invitae Evidence Modeling of protein sequence and biophysical properties (such as structural, functional, and spatial information, amino acid conservation, physicochemical variation, residue mobility, and thermodynamic stability) indicates that this missense variant is not expected to disrupt PRPH2 protein function with a negative predictive value of 95%. Experimental studies are conflicting or provide insufficient evidence to determine the effect of this variant on PRPH2 function (PMID: 21347327). In summary, the available evidence is currently insufficient to determine the role of this variant in disease. Therefore, it has been classified as a Variant of Uncertain Significance.

Leiden Open Variation Database
Classification: Likely pathogenic. Last evaluated: 2021-04-06. Review status: no assertion criteria provided. Collection method: curation. Allele origin: germline. Affected: yes. Not counted in ClinVar's aggregate classification.
Comment: Curator: Global Variome, with Curator vacancy. Submitter to LOVD: Manon Peeters. Comment: Variant observed de novo.

Literature cited by the submitters: PubMed 18310263 (cited by Labcorp Genetics (formerly Invitae), Labcorp and Leiden Open Variation Database); PubMed 19506198 (cited by Labcorp Genetics (formerly Invitae), Labcorp and Leiden Open Variation Database); PubMed 23049240 (cited by Labcorp Genetics (formerly Invitae), Labcorp and Leiden Open Variation Database); PubMed 23563732 (cited by Labcorp Genetics (formerly Invitae), Labcorp and Leiden Open Variation Database); PubMed 31054281 (cited by Labcorp Genetics (formerly Invitae), Labcorp); PubMed 21347327 (cited by Labcorp Genetics (formerly Invitae), Labcorp).